The following is an entry in ClinVar:

NM_001366145.2(TRPM3):c.3007A>G (p.Asn1003Asp)

Gene: TRPM3 (transient receptor potential cation channel subfamily M member 3; minus strand). Cytogenetic location: 9q21.12.
Variant type: single nucleotide variant.
Coding change: c.3007A>G on transcript NM_001366145.2 (MANE Select); coding-DNA position 3007, A replaced by G.
Protein change: p.Asn1003Asp; replaces asparagine 1003 with aspartic acid.
Molecular consequence: missense variant.
Genome position (GRCh38, 1-based): chr9:70,598,460, T>C on the plus strand (A>G on the coding strand, the complement: TRPM3 is on the minus strand). VCF-style: chr9-70598460-T-C. GRCh37 (hg19) VCF-style: chr9-73213376-T-C.
Other names: c.2971A>G, p.Asn991Asp (NM_001007471.4, NM_001366151.2); c.2977A>G, p.Asn993Asp (NM_001366141.2, NM_001366143.2, NM_001366149.2); c.3013A>G, p.Asn1005Asp (NM_001366142.2); c.3007A>G, p.Asn1003Asp (NM_001366146.2); c.3082A>G, p.Asn1028Asp (NM_001366147.2, NM_001366152.2); c.3052A>G, p.Asn1018Asp (NM_001366148.2); c.2941A>G, p.Asn981Asp (NM_001366150.2); c.2548A>G, p.Asn850Asp (NM_001366154.2, NM_024971.7); and 5 more; short protein forms N1003D, N1005D, N1018D, N1028D, N828D, N838D, N840D, N850D.
Identifiers: ClinVar variation 4881511 (VCV004881511.2).

ClinVar aggregate classification (germline): Uncertain significance (1 of 4 stars; one submission).

Conditions:
Neurodevelopmental disorder with hypotonia, dysmorphic facies, and skeletal anomalies, with or without seizures (NEDFSS). Also called: TRPM3-Related Neurodevelopmental Disorder. Identifiers: MedGen C5830244, MONDO:0859365, OMIM 620224.

Submission:

Dasa
Classification: Uncertain significance for neurodevelopmental disorder with hypotonia, dysmorphic facies, and skeletal anomalies, with or without seizures. Last evaluated: 2026-03-18. Review status: criteria provided, single submitter. Criteria: DASA Assertion Criteria. Collection method: clinical testing. Allele origin: germline.
Comment: NM_001366145.2(TRPM3):c.3007A>G (p.Asn1003Asp) is a missense variant that results in the substitution of asparagine with aspartic acid. This variant is absent from population databases. The currently available literature and clinical evidence are not sufficient to establish a definitive association between this variant and the reported condition. Therefore, this variant is classified as a variant of uncertain significance.